The following is an entry in ClinVar:

NM_001122630.2(CDKN1C):c.418G>A (p.Val140Ile)

Gene: CDKN1C (cyclin dependent kinase inhibitor 1C; minus strand). Cytogenetic location: 11p15.4.
Variant type: single nucleotide variant.
Coding change: c.418G>A on transcript NM_001122630.2 (MANE Select); coding-DNA position 418, G replaced by A.
Protein change: p.Val140Ile; replaces valine 140 with isoleucine.
Molecular consequence: missense variant. On other transcripts: intron variant (1).
Genome position (GRCh38, 1-based): chr11:2,885,039, C>T on the plus strand (G>A on the coding strand, the complement: CDKN1C is on the minus strand). VCF-style: chr11-2885039-C-T. GRCh37 (hg19) VCF-style: chr11-2906269-C-T.
Other names: c.451G>A, p.Val151Ile (LRG_533t1, NM_000076.2, NM_001362474.2); c.418G>A, p.Val140Ile (NM_001122631.2); c.255+163G>A (NM_001362475.2); short protein forms V151I, V140I.
Identifiers: ClinVar variation 454003 (VCV000454003.11), dbSNP rs753342439, ClinGen allele CA5822208.
Genomic context (GRCh38, chr11:2,885,039, plus strand): 5'-CCGCGACCGGAGCCGCGACCGGAGCCGGAGCCGGGGCCGGGGCTGGAGCCAGGACCGGGA[C>T]TGGGGGCGGGGTGGACGCCGGGGCCGGGACCGGGACACTAGGCAGCTGCTCCGGCGCCTC-3'
Protein context (NP_001116102.1, residues 130-150): VPAPASTPPP[Val140Ile]PVLAPAPAPA

ClinVar aggregate classification (germline): Uncertain significance (1 of 4 stars; one submission).

Conditions:
Beckwith-Wiedemann syndrome (BWS). Also called: EMG SYNDROME; Exomphalos macroglossia gigantism syndrome. Identifiers: Orphanet 116, MedGen C0004903, MONDO:0007534, OMIM 130650.

Allele frequency attached by ClinVar (database versions not stated): ExAC below 0.00001; gnomAD exomes 0.00001; TOPMed 0.00001.

Submission:

Labcorp Genetics (formerly Invitae), Labcorp
Classification: Uncertain significance for Beckwith-Wiedemann syndrome. Last evaluated: 2025-10-05. Review status: criteria provided, single submitter. Criteria: Invitae Variant Classification Sherloc (09022015). Collection method: clinical testing. Allele origin: germline.
Comment: This sequence change replaces valine, which is neutral and non-polar, with isoleucine, which is neutral and non-polar, at codon 151 of the CDKN1C protein (p.Val151Ile). This variant is not present in population databases (gnomAD no frequency). This variant has not been reported in the literature in individuals affected with CDKN1C-related conditions. ClinVar contains an entry for this variant (Variation ID: 454003). Experimental studies and prediction algorithms are not available or were not evaluated, and the functional significance of this variant is currently unknown. In summary, the available evidence is currently insufficient to determine the role of this variant in disease. Therefore, it has been classified as a Variant of Uncertain Significance.